The following is an entry in ClinVar:

NM_001377304.1(GFI1B):c.943C>T (p.Arg315Cys)

Gene: GFI1B (growth factor independent 1B transcriptional repressor; plus strand). Cytogenetic location: 9q34.13.
Variant type: single nucleotide variant.
Coding change: c.943C>T on transcript NM_001377304.1 (MANE Select); coding-DNA position 943, C replaced by T.
Protein change: p.Arg315Cys; replaces arginine 315 with cysteine.
Molecular consequence: missense variant.
Genome position (GRCh38, 1-based): chr9:132,991,000, C>T. VCF-style: chr9-132991000-C-T. GRCh37 (hg19) VCF-style: chr9-135866387-C-T.
Other names: c.805C>T, p.Arg269Cys (NM_001135031.2, NM_001377305.1); c.1009C>T, p.Arg337Cys (NM_001371908.1); c.943C>T, p.Arg315Cys (NM_004188.8); short protein forms R315C, R269C, R337C.
Identifiers: ClinVar variation 4990599 (VCV004990599.1).

ClinVar aggregate classification (germline): Uncertain significance (1 of 4 stars; one submission).

Conditions:
GFI1B-related disorder. Also called: GFI1B-related condition.

gnomAD v4.1: 12 of 1,614,186 alleles (0.00074%); highest among the groups gnomAD compares: South Asian, 0.0055%; no homozygotes.

Submission:

PreventionGenetics, part of Exact Sciences
Classification: Uncertain significance for GFI1B-related condition. Last evaluated: 2025-07-23. Review status: criteria provided, single submitter. Criteria: ACMG Guidelines, 2015. Collection method: clinical testing. Allele origin: germline.
Comment: The GFI1B c.943C>T variant is predicted to result in the amino acid substitution p.Arg315Cys. To our knowledge, this variant has not been reported in the literature. This variant is reported in 0.0099% of alleles in individuals of Ashkenazi Jewish descent in gnomAD. At this time, the clinical significance of this variant is uncertain due to the absence of conclusive functional and genetic evidence.